The following is an entry in ClinVar:

NM_181523.3(PIK3R1):c.435A>C (p.Glu145Asp)

Gene: PIK3R1 (phosphoinositide-3-kinase regulatory subunit 1; plus strand). Cytogenetic location: 5q13.1.
Variant type: single nucleotide variant.
Coding change: c.435A>C on transcript NM_181523.3 (MANE Select); coding-DNA position 435, A replaced by C.
Protein change: p.Glu145Asp; replaces glutamic acid 145 with aspartic acid.
Molecular consequence: missense variant.
Genome position (GRCh38, 1-based): chr5:68,273,946, A>C. VCF-style: chr5-68273946-A-C. GRCh37 (hg19) VCF-style: chr5-67569774-A-C.
Other names: short protein forms E145D.
Identifiers: ClinVar variation 3755552 (VCV003755552.2).

ClinVar aggregate classification (germline): Uncertain significance (1 of 4 stars; one submission).

Conditions:
Agammaglobulinemia 7, autosomal recessive (AGM7). Also called: AGAMMAGLOBULINEMIA, AUTOSOMAL RECESSIVE, DUE TO PIK3R1 DEFECT. Identifiers: MedGen C3554689, MONDO:0014083, OMIM 615214.
Immunodeficiency 36 with lymphoproliferation. Also called: Immunodeficiency 36; ACTIVATED PI3K-DELTA SYNDROME 2; Activated PI3K Delta Syndrome Type 2 (APDS2). Identifiers: Orphanet 397596, Orphanet 693681, MedGen C4014934, MONDO:0014453, OMIM 616005.
SHORT syndrome. Also called: SHORT STATURE, HYPEREXTENSIBILITY, HERNIA, OCULAR DEPRESSION, RIEGER ANOMALY, AND TEETHING DELAY; LIPODYSTROPHY, PARTIAL, WITH RIEGER ANOMALY AND SHORT STATURE; PIK3R1-Related SHORT Syndrome. Identifiers: Orphanet 3163, MedGen C0878684, MONDO:0010026, OMIM 269880.

gnomAD v4.1: 2 of 1,613,634 alleles (0.00012%); highest among the groups gnomAD compares: South Asian, 0.0011%; no homozygotes.

Submission:

Labcorp Genetics (formerly Invitae), Labcorp
Classification: Uncertain significance for SHORT syndrome; Immunodeficiency 36 with lymphoproliferation; Agammaglobulinemia 7, autosomal recessive. Last evaluated: 2024-10-02. Review status: criteria provided, single submitter. Criteria: Invitae Variant Classification Sherloc (09022015). Collection method: clinical testing. Allele origin: germline.
Comment: This sequence change replaces glutamic acid, which is acidic and polar, with aspartic acid, which is acidic and polar, at codon 145 of the PIK3R1 protein (p.Glu145Asp). This variant is not present in population databases (gnomAD no frequency). This variant has not been reported in the literature in individuals affected with PIK3R1-related conditions. An algorithm developed to predict the effect of missense changes on protein structure and function (PolyPhen-2) suggests that this variant is likely to be tolerated. In summary, the available evidence is currently insufficient to determine the role of this variant in disease. Therefore, it has been classified as a Variant of Uncertain Significance.